The following is an entry in ClinVar:

NM_182961.4(SYNE1):c.556A>C (p.Lys186Gln)

Gene: SYNE1 (spectrin repeat containing nuclear envelope protein 1; minus strand). Cytogenetic location: 6q25.2.
Variant type: single nucleotide variant.
Coding change: c.556A>C on transcript NM_182961.4 (MANE Select); coding-DNA position 556, A replaced by C.
Protein change: p.Lys186Gln; replaces lysine 186 with glutamine.
Molecular consequence: missense variant.
Genome position (GRCh38, 1-based): chr6:152,510,218, T>G on the plus strand (A>C on the coding strand, the complement: SYNE1 is on the minus strand). VCF-style: chr6-152510218-T-G. GRCh37 (hg19) VCF-style: chr6-152831353-T-G.
Other names: c.577A>C, p.Lys193Gln (NM_033071.5); short protein forms K186Q, K193Q.
Identifiers: ClinVar variation 4681563 (VCV004681563.5).

ClinVar aggregate classification (germline): Uncertain significance (1 of 4 stars; one submission).

gnomAD v4.1: 2 of 1,614,068 alleles (0.00012%); highest among the groups gnomAD compares: Non-Finnish European, 0.00017%; no homozygotes.

Submission:

CeGaT Center for Human Genetics Tuebingen
Classification: Uncertain significance. Last evaluated: 2025-12-01. Review status: criteria provided, single submitter. Criteria: CeGaT Center For Human Genetics Tuebingen Variant Classification Criteria Version 2. Collection method: clinical testing. Allele origin: germline. Affected: yes. Observed: 1 variant allele.
Comment: SYNE1: PM2